The following is an entry in ClinVar:

NM_031433.4(MFRP):c.666C>G (p.Pro222=)

Genes: C1QTNF5 (C1q and TNF related 5; minus strand), MFRP (membrane frizzled-related protein; minus strand). Cytogenetic location: 11q23.3.
Variant type: single nucleotide variant.
Coding change: c.666C>G on transcript NM_031433.4 (MANE Select); coding-DNA position 666, C replaced by G.
Protein change: p.Pro222=; no amino-acid change (proline 222 retained).
Molecular consequence: synonymous variant. On other transcripts: 5 prime UTR variant (1).
Genome position (GRCh38, 1-based): chr11:119,344,980, G>C on the plus strand (C>G on the coding strand, the complement: MFRP is on the minus strand). VCF-style: chr11-119344980-G-C. GRCh37 (hg19) VCF-style: chr11-119215690-G-C.
Other names: c.-1971C>G (NM_015645.5).
Identifiers: ClinVar variation 1648944 (VCV001648944.10), dbSNP rs765386106, ClinGen allele CA6320453.
Genomic context (GRCh38, chr11:119,344,980, plus strand): 5'-TTCCACACTGCTGTCAGAGACGAAGACCACCAGGAGGTGGCTGGCATTGGTGTTGAGCGT[G>C]GGGGGAGGCACCCTTCCACAAACCCTGCAAGAAGCCAGGTTGGGGGTGAGGGAGGCTCCA-3'
Protein context (NP_113621.1, residues 212-232): LLRVCGRVPP[Pro222=]TLNTNASHLL

ClinVar aggregate classification (germline): Likely benign. Review status: criteria provided, multiple submitters, no conflicts (2 of 4 stars). 3 submissions from 3 submitters: Likely benign (2). 1 of the submissions does not count toward it. Last evaluated 2025-03-31.

Conditions:
Isolated microphthalmia 5. Also called: Posterior Microphthalmia with Retinitis Pigmentosa, Foveoschisis, and Optic Disc Drusen. Identifiers: Orphanet 251279, MedGen C1970236, MONDO:0012605, OMIM 611040.
MFRP-related disorder. Also called: MFRP-related condition; MFRP-related disorders.

Allele frequency attached by ClinVar (database versions not stated): 1000 Genomes Project 30x 0.00031.
gnomAD v4.1: 34 of 1,607,078 alleles (0.0021%); highest among the groups gnomAD compares: African/African-American, 0.025%; no homozygotes.

Submissions (3):

Labcorp Genetics (formerly Invitae), Labcorp
Classification: Likely benign for Isolated microphthalmia 5. Last evaluated: 2025-03-31. Review status: criteria provided, single submitter. Criteria: Invitae Variant Classification Sherloc (09022015). Collection method: clinical testing. Allele origin: germline.

Blueprint Genetics
Classification: Likely benign. Last evaluated: 2021-09-21. Review status: criteria provided, single submitter. Criteria: ACMG Guidelines, 2015. Collection method: clinical testing. Allele origin: germline.

PreventionGenetics, part of Exact Sciences
Classification: Likely benign for MFRP-related condition. Last evaluated: 2024-07-15. Review status: no assertion criteria provided. Collection method: clinical testing. Allele origin: germline. Not counted in ClinVar's aggregate classification.
Comment: This variant is classified as likely benign based on ACMG/AMP sequence variant interpretation guidelines (Richards et al. 2015 PMID: 25741868, with internal and published modifications).